The following continues an entry in ClinVar:

NM_003000.3(SDHB):c.640C>T (p.Gln214Ter)

Gene: SDHB. ClinVar aggregate classification (germline): Pathogenic/Likely pathogenic. Pathogenic (12); Likely pathogenic (2).

Submissions 11 to 14 of 14:

3billion
Classification: Pathogenic for Pheochromocytoma/paraganglioma syndrome 4. Last evaluated: 2022-01-03. Review status: criteria provided, single submitter. Criteria: ACMG Guidelines, 2015. Collection method: clinical testing. Allele origin: germline. Affected: yes. Observed: 1 heterozygote.
Comment: Stop-gained (nonsense): predicted to result in a loss or disruption of normal protein function through nonsense-mediated decay (NMD) or protein truncation. Multiple pathogenic variants are reported downstream of the variant (PVS1_VS). It is not observed in the gnomAD v2.1.1 dataset (PM2_M). The variant has been reported at least twice as pathogenic/likely pathogenic with clinical assertions and evidence for the classification (ClinVar ID: VCV000230243, PMID:17943698). Therefore, this variant is classified as pathogenic according to the recommendation of ACMG/AMP guideline.

New York Genome Center
Classification: Likely pathogenic for Pheochromocytoma/paraganglioma syndrome 4. Last evaluated: 2019-08-28. Review status: criteria provided, single submitter. Criteria: NYGC Assertion Criteria 2020. Collection method: clinical testing. Allele origin: maternal. Inheritance: Autosomal dominant inheritance. Observed: 1 heterozygote. Study: CSER-NYCKidSeq.
Comment: The inherited c.640C>T (p.Gln214Ter) variant identified in the SDHB gene leads to the premature termination of the protein at amino acid 214/281 (coding exon 6/8) and is predicted to undergo nonsense mediated decay. This variant is absent from gnomAD and ExAC, suggesting it is not a common benign variant in the populations represented in these databases. This variant is classified as Pathogenic in ClinVar (VarID:230243), and has been reported in the literature in individuals with early onset Pheochromocytomas [PMID: 17943698; PMID: 19694205]. Given its deleterious nature, its absence in population databases, and its observation in affected individuals in the literature, the c.640C>T (p.Gln214Ter) variant identified in the SDHB gene is reported here as Likely Pathogenic.

Fulgent Genetics
Classification: Pathogenic for Pheochromocytoma/paraganglioma syndrome 4; Pheochromocytoma; Carney-Stratakis syndrome. Last evaluated: 2018-10-31. Review status: criteria provided, single submitter. Criteria: ACMG Guidelines, 2015. Collection method: clinical testing. Allele origin: unknown.

Genomic Diagnostic Laboratory, Division of Genomic Diagnostics, Children's Hospital of Philadelphia
Classification: Pathogenic for Paragangliomas 4. Last evaluated: 2015-10-13. Review status: criteria provided, single submitter. Criteria: DGD Variant Analysis Guidelines. Collection method: clinical testing. Allele origin: unknown.

Literature cited by the submitters: PubMed 17943698 (cited by 7 submitters); PubMed 19694205 (cited by 6 submitters); PubMed 19454582 (cited by Labcorp Genetics (formerly Invitae), Labcorp); PubMed 19802898 (cited by Labcorp Genetics (formerly Invitae), Labcorp); PubMed 32460727 (cited by All of Us Research Program, National Institutes of Health and Color Diagnostics, LLC DBA Color Health); PubMed 34654328 (cited by All of Us Research Program, National Institutes of Health and Color Diagnostics, LLC DBA Color Health); PubMed 28873162 (cited by Institute for Genomic Medicine (IGM) Clinical Laboratory, Nationwide Children's Hospital); PubMed 30894706 (cited by Institute for Genomic Medicine (IGM) Clinical Laboratory, Nationwide Children's Hospital).